The following is an entry in ClinVar:

NM_173543.3(DZIP1L):c.1541A>G (p.Lys514Arg)

Gene: DZIP1L (DAZ interacting zinc finger protein 1 like; minus strand). Cytogenetic location: 3q22.3.
Variant type: single nucleotide variant.
Coding change: c.1541A>G on transcript NM_173543.3 (MANE Select); coding-DNA position 1541, A replaced by G.
Protein change: p.Lys514Arg; replaces lysine 514 with arginine.
Molecular consequence: missense variant.
Genome position (GRCh38, 1-based): chr3:138,071,717, T>C on the plus strand (A>G on the coding strand, the complement: DZIP1L is on the minus strand). VCF-style: chr3-138071717-T-C. GRCh37 (hg19) VCF-style: chr3-137790559-T-C.
Other names: c.1541A>G (NM_173543.2); c.1541A>G, p.Lys514Arg (NM_001170538.1); short protein forms K514R.
Identifiers: ClinVar variation 2189715 (VCV002189715.5), dbSNP rs148790083, ClinGen allele CA2634885.

ClinVar aggregate classification (germline): Uncertain significance. Review status: criteria provided, multiple submitters, no conflicts (2 of 4 stars). 3 submissions from 3 submitters: Uncertain significance (3). Last evaluated 2024-09-09.

Conditions:
Inborn genetic diseases. Identifiers: MedGen C0950123, MeSH D030342.

Allele frequency attached by ClinVar (database versions not stated): gnomAD 0.00013; gnomAD exomes 0.00013; ESP Exome Variant Server 0.00015; ExAC 0.00016; TOPMed 0.00016; 1000 Genomes Project 30x 0.00031; 1000 Genomes Project 0.00040.
gnomAD v4.1: 213 of 1,614,200 alleles (0.013%); highest among the groups gnomAD compares: Middle Eastern, 0.082%; 1 homozygote.

Submissions (3):

Blueprint Genetics
Classification: Uncertain significance. Last evaluated: 2024-09-09. Review status: criteria provided, single submitter. Criteria: ACMG Guidelines, 2015. Collection method: clinical testing. Allele origin: germline.

Labcorp Genetics (formerly Invitae), Labcorp
Classification: Uncertain significance. Last evaluated: 2024-08-10. Review status: criteria provided, single submitter. Criteria: Invitae Variant Classification Sherloc (09022015). Collection method: clinical testing. Allele origin: germline.
Comment: This sequence change replaces lysine, which is basic and polar, with arginine, which is basic and polar, at codon 514 of the DZIP1L protein (p.Lys514Arg). This variant is present in population databases (rs148790083, gnomAD 0.02%). This variant has not been reported in the literature in individuals affected with DZIP1L-related conditions. ClinVar contains an entry for this variant (Variation ID: 2189715). An algorithm developed to predict the effect of missense changes on protein structure and function (PolyPhen-2) suggests that this variant¬†is likely to be tolerated. In summary, the available evidence is currently insufficient to determine the role of this variant in disease. Therefore, it has been classified as a Variant of Uncertain Significance.

Ambry Genetics
Classification: Uncertain significance for Inborn genetic diseases. Last evaluated: 2021-07-06. Review status: criteria provided, single submitter. Criteria: Ambry Variant Classification Scheme 2023. Collection method: clinical testing. Allele origin: germline.